The following is an entry in ClinVar:

ClinVar aggregate classification (germline): Conflicting classifications of pathogenicity. Review status: criteria provided, conflicting classifications (1 of 4 stars). 2 submissions from 2 submitters: Uncertain significance (1); Likely benign (1). Last evaluated 2025-06-20.

Allele frequency attached by ClinVar (database versions not stated): TOPMed 0.00002; gnomAD 0.00005; 1000 Genomes Project 30x 0.00016.
gnomAD v4.1: 33 of 1,378,674 alleles (0.0024%); highest among the groups gnomAD compares: African/African-American, 0.0076%; no homozygotes.

Submissions (2):

Labcorp Genetics (formerly Invitae), Labcorp
Classification: Uncertain significance. Last evaluated: 2025-06-20. Review status: criteria provided, single submitter. Criteria: Invitae Variant Classification Sherloc (09022015). Collection method: clinical testing. Allele origin: germline.
Comment: This sequence change replaces glycine, which is neutral and non-polar, with arginine, which is basic and polar, at codon 3 of the COL9A3 protein (p.Gly3Arg). This variant is present in population databases (no rsID available, gnomAD 0.06%). This variant has not been reported in the literature in individuals affected with COL9A3-related conditions. ClinVar contains an entry for this variant (Variation ID: 1921205). Invitae Evidence Modeling of protein sequence and biophysical properties (such as structural, functional, and spatial information, amino acid conservation, physicochemical variation, residue mobility, and thermodynamic stability) indicates that this missense variant is not expected to disrupt COL9A3 protein function with a negative predictive value of 95%. In summary, the available evidence is currently insufficient to determine the role of this variant in disease. Therefore, it has been classified as a Variant of Uncertain Significance.

Blueprint Genetics
Classification: Likely benign. Last evaluated: 2023-01-10. Review status: criteria provided, single submitter. Criteria: ACMG Guidelines, 2015. Collection method: clinical testing. Allele origin: germline.

NM_001853.4(COL9A3):c.7G>C (p.Gly3Arg)

Gene: COL9A3 (collagen type IX alpha 3 chain; plus strand). Cytogenetic location: 20q13.33.
Variant type: single nucleotide variant.
Coding change: c.7G>C on transcript NM_001853.4 (MANE Select); coding-DNA position 7, G replaced by C.
Protein change: p.Gly3Arg; replaces glycine 3 with arginine.
Molecular consequence: missense variant.
Genome position (GRCh38, 1-based): chr20:62,817,071, G>C. VCF-style: chr20-62817071-G-C. GRCh37 (hg19) VCF-style: chr20-61448423-G-C.
Other names: short protein forms G3R.
Identifiers: ClinVar variation 1921205 (VCV001921205.6), dbSNP rs780941765, ClinGen allele CA317318977.